The following is an entry in ClinVar:

NM_001371986.1(UNC80):c.1778A>G (p.Asn593Ser)

Gene: UNC80 (unc-80 subunit of NALCN channel complex; plus strand). Cytogenetic location: 2q34.
Variant type: single nucleotide variant.
Coding change: c.1778A>G on transcript NM_001371986.1 (MANE Select); coding-DNA position 1778, A replaced by G.
Protein change: p.Asn593Ser; replaces asparagine 593 with serine.
Molecular consequence: missense variant.
Genome position (GRCh38, 1-based): chr2:209,819,077, A>G. VCF-style: chr2-209819077-A-G. GRCh37 (hg19) VCF-style: chr2-210683801-A-G.
Other names: c.1778A>G, p.Asn593Ser (NM_032504.2, NM_182587.4); short protein forms N593S.
Identifiers: ClinVar variation 1715227 (VCV001715227.6), dbSNP rs1434917270, ClinGen allele CA350135645.

ClinVar aggregate classification (germline): Conflicting classifications of pathogenicity. Review status: criteria provided, conflicting classifications (1 of 4 stars). 2 submissions from 2 submitters: Uncertain significance (1); Likely benign (1). Last evaluated 2023-08-04.

Allele frequency attached by ClinVar (database versions not stated): TOPMed below 0.00001; gnomAD exomes 0.00001.
gnomAD v4.1: 13 of 1,552,060 alleles (0.00084%); highest among the groups gnomAD compares: African/African-American, 0.0014%; no homozygotes.

Submissions (2):

Labcorp Genetics (formerly Invitae), Labcorp
Classification: Uncertain significance. Last evaluated: 2023-08-04. Review status: criteria provided, single submitter. Criteria: Invitae Variant Classification Sherloc (09022015). Collection method: clinical testing. Allele origin: germline.
Comment: This sequence change replaces asparagine, which is neutral and polar, with serine, which is neutral and polar, at codon 593 of the UNC80 protein (p.Asn593Ser). This variant is present in population databases (no rsID available, gnomAD 0.002%). This variant has not been reported in the literature in individuals affected with UNC80-related conditions. ClinVar contains an entry for this variant (Variation ID: 1715227). Algorithms developed to predict the effect of missense changes on protein structure and function output the following: SIFT: "Not Available"; PolyPhen-2: "Benign"; Align-GVGD: "Not Available". The serine amino acid residue is found in multiple mammalian species, which suggests that this missense change does not adversely affect protein function. In summary, the available evidence is currently insufficient to determine the role of this variant in disease. Therefore, it has been classified as a Variant of Uncertain Significance.

Blueprint Genetics
Classification: Likely benign. Last evaluated: 2021-05-10. Review status: criteria provided, single submitter. Criteria: ACMG Guidelines, 2015. Collection method: clinical testing. Allele origin: germline.